The following is an entry in ClinVar:

ClinVar aggregate classification (germline): Conflicting classifications of pathogenicity. Review status: criteria provided, conflicting classifications (1 of 4 stars). 3 submissions from 3 submitters: Uncertain significance (1); Likely benign (2). Last evaluated 2025-10-24.

Conditions:
Developmental and epileptic encephalopathy, 5 (DEE5). Identifiers: Orphanet 3451, MedGen C3150731, MONDO:0013277, OMIM 613477.
Early-infantile DEE. Also called: Ohtahara syndrome; Early infantile epileptic encephalopathy; Early infantile epileptic encephalopathy with suppression bursts. Identifiers: Orphanet 1934, MedGen C0393706, MONDO:0800491.

Submissions (3):

Labcorp Genetics (formerly Invitae), Labcorp
Classification: Likely benign for Early-infantile DEE. Last evaluated: 2025-10-24. Review status: criteria provided, single submitter. Criteria: Invitae Variant Classification Sherloc (09022015). Collection method: clinical testing. Allele origin: germline.

GeneDx
Classification: Likely benign. Last evaluated: 2022-11-16. Review status: criteria provided, single submitter. Criteria: GeneDx Variant Classification Process June 2021. Collection method: clinical testing. Allele origin: germline. Affected: yes.
Comment: See Variant Classification Assertion Criteria.

Genome-Nilou Lab
Classification: Uncertain significance for Developmental and epileptic encephalopathy, 5. Last evaluated: 2021-07-15. Review status: criteria provided, single submitter. Criteria: ACMG Guidelines, 2015. Collection method: clinical testing. Allele origin: germline. Affected: no.

NM_001130438.3(SPTAN1):c.1573-6_1573-3del

Gene: SPTAN1 (spectrin alpha, non-erythrocytic 1; plus strand). Cytogenetic location: 9q34.11.
Variant type: Microsatellite.
Coding change: c.1573-6_1573-3del on transcript NM_001130438.3 (MANE Select); 6 bases into the intron before coding-DNA position 1573 through 3 bases into the intron before coding-DNA position 1573, 4 bases deleted (TCCT; older notation c.1573-6_1573-3delTCCT).
Molecular consequence: intron variant.
Genome position (GRCh38, 1-based): chr9:128,582,473-128,582,476, TCCT deleted; deleting any 4 consecutive bases within chr9:128,582,467-128,582,476 gives the same sequence; the c. name uses the placement nearest the transcript's 3' end. VCF-style (leftmost placement, unchanged base first): chr9-128582466-TCTTC-T. GRCh37 (hg19) VCF-style: chr9-131344745-TCTTC-T.
Other names: c.1573-6_1573-3delTCCT (NM_001130438.2); c.1609-6_1609-3del (NM_001375318.1, NM_001375312.2); c.1573-6_1573-3del (NM_001375311.2, NM_001375314.2, NM_001375310.1 and 5 more transcripts).
Identifiers: ClinVar variation 421045 (VCV000421045.14), dbSNP rs758557229, ClinGen allele CA5264448.
Genomic context (GRCh38, chr9:128,582,466, plus strand): 5'-AGTTACTTTTCTCCAGAGGCCAAGCTTGGGACTAGTGTGCTTACCAATGAAGAACTCTTA[TCTTC>T]CTTCCTAGGCATTAGATGAATTTGCAACCAAGCTAATTCAGAACAACCACTATGCAATGG-3'